The following is an entry in ClinVar:

NM_015533.4(TKFC):c.1102+7A>G

Gene: TKFC (triokinase and FMN cyclase; plus strand). Cytogenetic location: 11q12.2.
Variant type: single nucleotide variant.
Coding change: c.1102+7A>G on transcript NM_015533.4 (MANE Select); 7 bases into the intron after coding-DNA position 1102, A replaced by G.
Molecular consequence: intron variant.
Genome position (GRCh38, 1-based): chr11:61,343,982, A>G. VCF-style: chr11-61343982-A-G. GRCh37 (hg19) VCF-style: chr11-61111454-A-G.
Other names: c.1102+7A>G (NM_001351978.2, NM_001351977.2, NM_001351976.2 and 1 more transcripts); c.892+7A>G (NM_001351980.2).
Identifiers: ClinVar variation 4882708 (VCV004882708.2).

ClinVar aggregate classification (germline): Uncertain significance (1 of 4 stars; one submission).

Submission:

Dasa
Classification: Uncertain significance. Last evaluated: 2025-03-11. Review status: criteria provided, single submitter. Criteria: DASA Assertion Criteria. Collection method: clinical testing. Allele origin: germline.
Comment: NM_015533.4(TKFC):c.1102+7A>G is a splice-region variant. This variant is rare in population databases. Computational prediction algorithms are consistent with a benign effect. The currently available literature and clinical evidence are not sufficient to establish a definitive association between this variant and the reported condition. Therefore, this variant is classified as a variant of uncertain significance.